The following is an entry in ClinVar:

NM_006147.4(IRF6):c.137_174+12del

Gene: IRF6 (interferon regulatory factor 6; minus strand). Cytogenetic location: 1q32.2.
Variant type: Deletion.
Coding change: c.137_174+12del on transcript NM_006147.4 (MANE Select); coding-DNA position 137 through 12 bases into the intron after coding-DNA position 174, 50 bases deleted.
Molecular consequence: splice donor variant. On other transcripts: intron variant (1).
Genome position (GRCh38, 1-based): chr1:209,801,228-209,801,277, 50 bases deleted; deleting any 50 consecutive bases within chr1:209,801,228-209,801,278 gives the same sequence; the c. name uses the placement nearest the transcript's 3' end. GRCh37 (hg19): chr1:209,974,574-209,974,623.
Other names: c.-112+4670_-111-4676del (NM_001206696.2).
Identifiers: ClinVar variation 872903 (VCV000872903.1), dbSNP rs2077939646, ClinGen allele CA1139656523.

ClinVar aggregate classification (germline): Pathogenic (1 of 4 stars; one submission).

Conditions:
Van der Woude syndrome 1. Also called: van der Woude Syndrome (VWS); CLEFT LIP AND/OR PALATE WITH MUCOUS CYSTS OF LOWER LIP. Identifiers: MedGen C4551864, MONDO:0007333, OMIM 119300.

Submission:

Service de Biochimie Médicale et Biologie Moléculaire, CHU Clermont-Ferrand
Classification: Pathogenic for Van der Woude syndrome 1. Last evaluated: 2020-03-30. Review status: criteria provided, single submitter. Criteria: ACMG Guidelines, 2015. Collection method: clinical testing. Allele origin: inherited. Inheritance: Autosomal dominant inheritance. Affected: yes. Observed: 1 heterozygote.
Comment: PVS1 + PM1 + PM2 + PP4